The following is an entry in ClinVar:

ClinVar aggregate classification (germline): Uncertain significance. Review status: criteria provided, multiple submitters, no conflicts (2 of 4 stars). 3 submissions from 3 submitters: Uncertain significance (3). Last evaluated 2024-12-14.

Conditions:
Primary ciliary dyskinesia 7. Also called: CILIARY DYSKINESIA, PRIMARY, 7, WITH OR WITHOUT SITUS INVERSUS. Identifiers: Orphanet 244, MedGen C2678473, MONDO:0012748, OMIM 611884.
Primary ciliary dyskinesia. Also called: Ciliary dyskinesia. Identifiers: Orphanet 244, MedGen C0008780, MONDO:0016575, HP:0012265.

Allele frequency attached by ClinVar (database versions not stated): gnomAD exomes 0.00001.
gnomAD v4.1: 20 of 1,613,928 alleles (0.0012%); highest among the groups gnomAD compares: African/African-American, 0.017%; no homozygotes.

Submissions (3):

Ambry Genetics
Classification: Uncertain significance for Primary ciliary dyskinesia. Last evaluated: 2024-12-14. Review status: criteria provided, single submitter. Criteria: Ambry Variant Classification Scheme 2023. Collection method: clinical testing. Allele origin: germline.
Comment: The p.Q3599E variant (also known as c.10795C>G), located in coding exon 66 of the DNAH11 gene, results from a C to G substitution at nucleotide position 10795. The glutamine at codon 3599 is replaced by glutamic acid, an amino acid with highly similar properties. This amino acid position is conserved. In addition, this alteration is predicted to be tolerated by in silico analysis. Based on the available evidence, the clinical significance of this variant remains unclear.

Revvity Omics, Revvity
Classification: Uncertain significance for Primary ciliary dyskinesia 7. Last evaluated: 2023-10-16. Review status: criteria provided, single submitter. Criteria: ACMG Guidelines, 2015. Collection method: clinical testing. Allele origin: germline.

Baylor Genetics
Classification: Uncertain significance for Primary ciliary dyskinesia 7. Last evaluated: 2019-07-31. Review status: criteria provided, single submitter. Criteria: ACMG Guidelines, 2015. Collection method: clinical testing. Allele origin: unknown. Affected: yes.
Comment: This variant was determined to be of uncertain significance according to ACMG Guidelines, 2015 [PMID:25741868].

NM_001277115.2(DNAH11):c.10795C>G (p.Gln3599Glu)

Gene: DNAH11 (dynein axonemal heavy chain 11; plus strand). Cytogenetic location: 7p15.3.
Variant type: single nucleotide variant.
Coding change: c.10795C>G on transcript NM_001277115.2 (MANE Select); coding-DNA position 10795, C replaced by G.
Protein change: p.Gln3599Glu; replaces glutamine 3599 with glutamic acid.
Molecular consequence: missense variant.
Genome position (GRCh38, 1-based): chr7:21,842,647, C>G. VCF-style: chr7-21842647-C-G. GRCh37 (hg19) VCF-style: chr7-21882265-C-G.
Other names: short protein forms Q3599E.
Identifiers: ClinVar variation 1030332 (VCV001030332.5), dbSNP rs1782255875, ClinGen allele CA366956867.